The following is an entry in ClinVar:

ClinVar aggregate classification (germline): Likely pathogenic. Review status: criteria provided, multiple submitters, no conflicts (2 of 4 stars). 2 submissions from 2 submitters: Likely pathogenic (2). Last evaluated 2025-02-21.

Conditions:
Familial thoracic aortic aneurysm and aortic dissection (TAAD). Also called: Thoracic aortic aneurysms and dissections. Identifiers: Orphanet 91387, MedGen C4707243, MONDO:0019625.

Submissions (2):

Ambry Genetics
Classification: Likely pathogenic for Familial thoracic aortic aneurysm and aortic dissection. Last evaluated: 2025-02-21. Review status: criteria provided, single submitter. Criteria: Ambry Variant Classification Scheme 2023. Collection method: clinical testing. Allele origin: germline.
Comment: The c.1383_1384delAGinsTA variant, located in coding exon 20 of the COL3A1 gene, results from an in-frame deletion of AG and insertion of TA at nucleotide positions 1383 to 1384. This results in the substitution of the residue for a residue at codon 461, an amino acid with highly similar properties. The majority (approximately two-thirds) ofCOL3A1mutations identified to date have involved the substitution of another amino acid for glycine within the triple-helical domain (PepinMG et al.GenetMed.2014;16(12):881-8; Frank M et al.Eur J Hum Genet. 2015;23(12):1657-64). Internal structural analysis indicates that this alteration disrupts the characteristic G-X-Y motif in theCOL3A1protein and inserts a bulky side chain into asterically-constrainedregion (Bella J et al.Science.1994;266:75-81;HohenesterE et al.Proc. Natl.Acad. Sci. U.S.A.2008;105:18273-7; Ambry internal data). This amino acid positions are well conserved in available vertebrate species. In addition, the in silico prediction for this alteration is inconclusive (Choi Y et al. PLoS ONE. 2012; 7(10):e46688). Based on the majority of available evidence to date, this variant is likely to be pathogenic.

Color Diagnostics, LLC DBA Color Health
Classification: Likely pathogenic for Familial thoracic aortic aneurysm and aortic dissection. Last evaluated: 2022-10-27. Review status: criteria provided, single submitter. Criteria: ACMG Guidelines, 2015. Collection method: clinical testing. Allele origin: germline.
Comment: This variant replaces lysine with asparagine at codon 461, and glycine with serine at codon 462 of the COL3A1 protein. This variant changes one of the conserved glycine residues within the Gly-Xaa-Yaa repeat motifs of the triple helical domain of the COL3A1 protein that are required for the structure and stability of fibrillar collagens (PMID: 7695699, 8218237, 19344236). Although this variant has not been reported in individuals affected with cardiovascular disorders in the literature, another variant disrupting the same glycine residue, c.1384G>A (p.Gly462Ser, ClinVar variation ID: 101365), has been reported in an individual affected with vascular Ehlers-Danlos syndrome (PMID: 24922459). This variant has not been identified in the general population by the Genome Aggregation Database (gnomAD). Based on the available evidence, this variant is classified as Likely Pathogenic.

Literature cited by the submitters: PubMed 7695699 (cited by Color Diagnostics, LLC DBA Color Health); PubMed 8218237 (cited by Color Diagnostics, LLC DBA Color Health); PubMed 19344236 (cited by Color Diagnostics, LLC DBA Color Health); PubMed 24922459 (cited by Color Diagnostics, LLC DBA Color Health).

NM_000090.4(COL3A1):c.1383_1384delinsTA (p.Lys461_Gly462delinsAsnSer)

Gene: COL3A1 (collagen type III alpha 1 chain; plus strand). Cytogenetic location: 2q32.2.
Variant type: Indel.
Coding change: c.1383_1384delinsTA on transcript NM_000090.4 (MANE Select); coding-DNA positions 1383 to 1384, AG replaced by TA.
Protein change: p.Lys461_Gly462delinsAsnSer.
Molecular consequence: missense variant.
Genome position (GRCh38, 1-based): chr2:188,994,759-188,994,760, AG replaced by TA. VCF-style: chr2-188994759-AG-TA. GRCh37 (hg19) VCF-style: chr2-189859485-AG-TA.
Other names: c.1383_1384delAGinsTA (NM_000090.3).
Identifiers: ClinVar variation 1172323 (VCV001172323.5), dbSNP rs2153502437, ClinGen allele CA2499215531.